The following is an entry in ClinVar:

NM_000550.3(TYRP1):c.1234G>A (p.Asp412Asn)

Genes: LURAP1L-AS1 (LURAP1L antisense RNA 1; minus strand), TYRP1 (tyrosinase related protein 1; plus strand). Cytogenetic location: 9p23.
Variant type: single nucleotide variant.
Coding change: c.1234G>A on transcript NM_000550.3 (MANE Select); coding-DNA position 1234, G replaced by A.
Protein change: p.Asp412Asn; replaces aspartic acid 412 with asparagine.
Molecular consequence: missense variant.
Genome position (GRCh38, 1-based): chr9:12,704,678, G>A. VCF-style: chr9-12704678-G-A. GRCh37 (hg19) VCF-style: chr9-12704678-G-A.
Other names: short protein forms D412N.
Identifiers: ClinVar variation 2096868 (VCV002096868.4), dbSNP rs2537288768, ClinGen allele CA372942979.

ClinVar aggregate classification (germline): Uncertain significance (1 of 4 stars; one submission).

Submission:

Labcorp Genetics (formerly Invitae), Labcorp
Classification: Uncertain significance. Last evaluated: 2022-10-24. Review status: criteria provided, single submitter. Criteria: Invitae Variant Classification Sherloc (09022015). Collection method: clinical testing. Allele origin: germline.
Comment: In summary, the available evidence is currently insufficient to determine the role of this variant in disease. Therefore, it has been classified as a Variant of Uncertain Significance. Advanced modeling of protein sequence and biophysical properties (such as structural, functional, and spatial information, amino acid conservation, physicochemical variation, residue mobility, and thermodynamic stability) performed at Invitae indicates that this missense variant is expected to disrupt TYRP1 protein function. This variant has not been reported in the literature in individuals affected with TYRP1-related conditions. This variant is not present in population databases (gnomAD no frequency). This sequence change replaces aspartic acid, which is acidic and polar, with asparagine, which is neutral and polar, at codon 412 of the TYRP1 protein (p.Asp412Asn).